The following is an entry in ClinVar:

NM_000396.4(CTSK):c.136C>T (p.Arg46Trp)

Gene: CTSK (cathepsin K; minus strand). Cytogenetic location: 1q21.3.
Variant type: single nucleotide variant.
Coding change: c.136C>T on transcript NM_000396.4 (MANE Select); coding-DNA position 136, C replaced by T.
Protein change: p.Arg46Trp; replaces arginine 46 with tryptophan.
Molecular consequence: missense variant.
Genome position (GRCh38, 1-based): chr1:150,806,209, G>A on the plus strand (C>T on the coding strand, the complement: CTSK is on the minus strand). VCF-style: chr1-150806209-G-A. GRCh37 (hg19) VCF-style: chr1-150778685-G-A.
Other names: short protein forms R46W.
Identifiers: ClinVar variation 553560 (VCV000553560.18), dbSNP rs371277428, ClinGen allele CA1080568.

ClinVar aggregate classification (germline): Pathogenic/Likely pathogenic. Review status: criteria provided, multiple submitters, no conflicts (2 of 4 stars). 8 submissions from 8 submitters: Pathogenic (6); Likely pathogenic (1). 1 of the submissions does not count toward it. Last evaluated 2025-09-17.

Conditions:
Pyknodysostosis. Also called: Pycnodysostosis. Identifiers: Orphanet 763, MedGen C0238402, MONDO:0009940, OMIM 265800.
CTSK-related disorder. Also called: CTSK-related condition.

Allele frequency attached by ClinVar (database versions not stated): TOPMed below 0.00001; gnomAD 0.00001; gnomAD exomes 0.00002 and 0.00003; ExAC 0.00003; ESP Exome Variant Server 0.00008.
gnomAD v4.1: 31 of 1,613,836 alleles (0.0019%); highest among the groups gnomAD compares: South Asian, 0.029%; no homozygotes.

Submissions (8):

First Genomix Gene Laboratory, Genetic Diagnostics Department
Classification: Pathogenic for Pyknodysostosis. Last evaluated: 2025-09-17. Review status: criteria provided, single submitter. Criteria: ACMG Guidelines, 2015. Collection method: clinical testing. Allele origin: germline. Inheritance: Autosomal recessive inheritance. Affected: no. Observed: 1 variant allele.

Labcorp Genetics (formerly Invitae), Labcorp
Classification: Pathogenic. Last evaluated: 2025-05-27. Review status: criteria provided, single submitter. Criteria: Invitae Variant Classification Sherloc (09022015). Collection method: clinical testing. Allele origin: germline.
Comment: This sequence change replaces arginine, which is basic and polar, with tryptophan, which is neutral and slightly polar, at codon 46 of the CTSK protein (p.Arg46Trp). This variant is present in population databases (rs371277428, gnomAD 0.02%). This missense change has been observed in individuals with pycnodysostosis in a family and has also been observed to be homozygous in unrelated in individuals (PMID: 17206399, 24269275, 27092432). It has also been observed to segregate with disease in related individuals. ClinVar contains an entry for this variant (Variation ID: 553560). Invitae Evidence Modeling of protein sequence and biophysical properties (such as structural, functional, and spatial information, amino acid conservation, physicochemical variation, residue mobility, and thermodynamic stability) indicates that this missense variant is expected to disrupt CTSK protein function with a positive predictive value of 80%. Algorithms developed to predict the effect of sequence changes on RNA splicing suggest that this variant may disrupt the consensus splice site. For these reasons, this variant has been classified as Pathogenic.

Blueprint Genetics
Classification: Pathogenic for CTSK-related disorders. Last evaluated: 2024-01-18. Review status: criteria provided, single submitter. Criteria: ACMG Guidelines, 2015. Collection method: clinical testing. Allele origin: germline. Affected: yes. Observed: 2 variant alleles.

Genome-Nilou Lab
Classification: Likely pathogenic for Pyknodysostosis. Last evaluated: 2023-04-11. Review status: criteria provided, single submitter. Criteria: ACMG Guidelines, 2015. Collection method: clinical testing. Allele origin: germline. Affected: no.

Women's Health and Genetics/Laboratory Corporation of America, LabCorp
Classification: Pathogenic for Pyknodysostosis. Last evaluated: 2023-03-03. Review status: criteria provided, single submitter. Criteria: LabCorp Variant Classification Summary - May 2015. Collection method: clinical testing. Allele origin: germline.
Comment: Variant summary: CTSK c.136C>T (p.Arg46Trp) results in a non-conservative amino acid change located in the Cathepsin propeptide inhibitor domain of the encoded protein sequence. Five of five in-silico tools predict a damaging effect of the variant on protein function. The variant allele was found at a frequency of 3.2e-05 in 249808 control chromosomes. c.136C>T has been reported in the literature in multiple individuals affected with Pyknodysostosis or osteopetrosis. These data indicate that the variant is very likely to be associated with disease. Three clinical diagnostic laboratories have submitted clinical-significance assessments for this variant to ClinVar after 2014 without evidence for independent evaluation. All laboratories classified the variant as pathogenic/likely pathogenic. Based on the evidence outlined above, the variant was classified as pathogenic.

Institute of Medical Genetics and Applied Genomics, University Hospital Tübingen
Classification: Pathogenic. Last evaluated: 2021-02-01. Review status: criteria provided, single submitter. Criteria: ACMG Guidelines, 2015. Collection method: clinical testing. Allele origin: germline. Inheritance: Autosomal recessive inheritance. Affected: yes.

Neuberg Centre For Genomic Medicine, NCGM
Classification: Pathogenic for Pyknodysostosis. Review status: criteria provided, single submitter. Criteria: ACMG Guidelines, 2015. Collection method: clinical testing. Allele origin: germline. Inheritance: Autosomal recessive inheritance. Affected: yes.
Comment: The observed missense c.136C>T(p.Arg46Trp) has been reported in homozygous state in multiple unrelated individuals affected with Pycnodysostosis (Pangrazio A, et. al., 2014; Mandal K, et. al., 2016). The variant has been reported with allele frequency of 0.003% in gnomAD Exomes. This variant has been submitted to the ClinVar database as Likely pathogenic/Pathogenic. The amino acid change p.Arg46Trp in CTSK is predicted as conserved by GERP++ and PhyloP across 100 vertebrates. The amino acid Arg at position 46 is changed to a Trp changing protein sequence and it might alter its composition and physico-chemical properties. For these reasons, this variant has been classified as Pathogenic.

Counsyl
Classification: Likely pathogenic for Pyknodysostosis. Last evaluated: 2017-08-29. Review status: no assertion criteria provided. Collection method: clinical testing. Allele origin: unknown. Not counted in ClinVar's aggregate classification.

Literature cited by the submitters: PubMed 17206399 (cited by Labcorp Genetics (formerly Invitae), Labcorp and Counsyl); PubMed 24269275 (cited by 3 submitters); PubMed 27092432 (cited by Labcorp Genetics (formerly Invitae), Labcorp and Counsyl); PubMed 33945887 (cited by Women's Health and Genetics/Laboratory Corporation of America, LabCorp).